The following is an entry in ClinVar:

NM_017882.3(CLN6):c.469dup (p.Leu157fs)

Gene: CLN6 (CLN6 transmembrane ER protein; minus strand). Cytogenetic location: 15q23.
Variant type: Duplication.
Coding change: c.469dup on transcript NM_017882.3 (MANE Select); coding-DNA position 469, one base duplicated (C; older notation c.469dupC).
Protein change: p.Leu157fs; shifts the reading frame from leucine 157.
Molecular consequence: frameshift variant.
Genome position (GRCh38, 1-based): chr15:68,211,692, G duplicated on the plus strand (C on the coding strand, the reverse complement: CLN6 is on the minus strand). VCF-style (leftmost placement, unchanged base first): chr15-68211691-A-AG. GRCh37 (hg19) VCF-style: chr15-68504029-A-AG.
Other names: c.565dup, p.Leu189fs (NM_001411068.1); short protein forms L157fs, L189fs.
Identifiers: ClinVar variation 5011836 (VCV005011836.1).

ClinVar aggregate classification (germline): Pathogenic (1 of 4 stars; one submission).

Conditions:
Neuronal ceroid lipofuscinosis. Also called: Neuronal Ceroid Lipofuscinoses. Identifiers: Orphanet 216, Orphanet 79263, MedGen C0027877, MONDO:0016295. Disease mechanism: loss of function.

Submission:

Myriad Genetics, Inc.
Classification: Pathogenic for Neuronal ceroid lipofuscinosis. Last evaluated: 2023-09-27. Review status: criteria provided, single submitter. Criteria: Myriad Autosomal Dominant, Autosomal Recessive and X-Linked Classification Criteria (2023). Collection method: clinical testing. Allele origin: unknown.
Comment: NM_017882.2(CLN6):c.469dupC(L157Pfs*11) is expected to be pathogenic in the context of neuronal ceroid lipofuscinosis, CLN6-related. This variant is predicted to lead to an abnormal or absent protein product due to the creation of a premature termination codon in CLN6, a gene where loss-of-function variants are known to be pathogenic. Please note: this variant was assessed in the context of healthy population screening.